The following is an entry in ClinVar:

ClinVar aggregate classification (germline): Uncertain significance (1 of 4 stars; one submission).

Submission:

Dasa
Classification: Uncertain significance. Last evaluated: 2025-10-07. Review status: criteria provided, single submitter. Criteria: DASA Assertion Criteria. Collection method: clinical testing. Allele origin: germline.
Comment: NM_001276345.2(TNNT2):c.869A>G (p.Lys290Arg) is a missense variant that results in the substitution of lysine with arginine. This variant is absent from population databases. Computational prediction algorithms are consistent with a benign effect. The currently available literature and clinical evidence are not sufficient to establish a definitive association between this variant and the reported condition. Therefore, this variant is classified as a variant of uncertain significance.

NM_001276345.2(TNNT2):c.869A>G (p.Lys290Arg)

Gene: TNNT2 (troponin T2, cardiac type; minus strand). Cytogenetic location: 1q32.1.
Variant type: single nucleotide variant.
Coding change: c.869A>G on transcript NM_001276345.2 (MANE Select); coding-DNA position 869, A replaced by G.
Protein change: p.Lys290Arg; replaces lysine 290 with arginine.
Molecular consequence: missense variant.
Genome position (GRCh38, 1-based): chr1:201,359,238, T>C on the plus strand (A>G on the coding strand, the complement: TNNT2 is on the minus strand). VCF-style: chr1-201359238-T-C. GRCh37 (hg19) VCF-style: chr1-201328366-T-C.
Other names: c.860A>G, p.Lys287Arg (NM_000364.4, NM_001406723.1); c.839A>G, p.Lys280Arg (NM_001001430.3, NM_001276347.2, NM_001406724.1); c.830A>G, p.Lys277Arg (NM_001001431.3, NM_001406726.1, NM_001406727.1); c.821A>G, p.Lys274Arg (NM_001001432.3); c.740A>G, p.Lys247Arg (NM_001276346.2); c.836A>G, p.Lys279Arg (NM_001406725.1); c.824A>G, p.Lys275Arg (NM_001406728.1); short protein forms K247R, K274R, K275R, K277R, K279R, K280R, K287R, K290R.
Identifiers: ClinVar variation 4881578 (VCV004881578.2).